The following is an entry in ClinVar:

NM_152468.5(TMC8):c.827A>G (p.Glu276Gly)

Gene: TMC8 (transmembrane channel like 8; plus strand). Cytogenetic location: 17q25.3.
Variant type: single nucleotide variant.
Coding change: c.827A>G on transcript NM_152468.5 (MANE Select); coding-DNA position 827, A replaced by G.
Protein change: p.Glu276Gly; replaces glutamic acid 276 with glycine.
Molecular consequence: missense variant.
Genome position (GRCh38, 1-based): chr17:78,134,404, A>G. VCF-style: chr17-78134404-A-G. GRCh37 (hg19) VCF-style: chr17-76130485-A-G.
Other names: short protein forms E276G.
Identifiers: ClinVar variation 953130 (VCV000953130.8), dbSNP rs751943470, ClinGen allele CA8796628.
Genomic context (GRCh38, chr17:78,134,404, plus strand): 5'-CCCATGCCCACCCCGCCTGCAGCTGCCTCTGTCCCCACCCTTCCGGGCAGGTGGAGCTGG[A>G]GGAGGGCCGTCGCTTCCAGCTGATGCAGCAGCAGACCCGGGCCCAGACGGCCTGCCGCCT-3'
Protein context (NP_689681.2, residues 266-286): EISNEFKVEL[Glu276Gly]EGRRFQLMQQ

ClinVar aggregate classification (germline): Uncertain significance (1 of 4 stars; one submission).

Conditions:
Epidermodysplasia verruciformis. Identifiers: Orphanet 302, MedGen C0014522, MONDO:0009176.

Allele frequency attached by ClinVar (database versions not stated): gnomAD exomes 0.00001; ExAC 0.00003.
gnomAD v4.1: 20 of 1,611,612 alleles (0.0012%); highest among the groups gnomAD compares: Non-Finnish European, 0.0017%; no homozygotes.

Submission:

Labcorp Genetics (formerly Invitae), Labcorp
Classification: Uncertain significance for Epidermodysplasia verruciformis. Last evaluated: 2024-04-29. Review status: criteria provided, single submitter. Criteria: Invitae Variant Classification Sherloc (09022015). Collection method: clinical testing. Allele origin: germline.
Comment: This sequence change replaces glutamic acid, which is acidic and polar, with glycine, which is neutral and non-polar, at codon 276 of the TMC8 protein (p.Glu276Gly). This variant is present in population databases (rs751943470, gnomAD 0.003%). This variant has not been reported in the literature in individuals affected with TMC8-related conditions. ClinVar contains an entry for this variant (Variation ID: 953130). Advanced modeling of protein sequence and biophysical properties (such as structural, functional, and spatial information, amino acid conservation, physicochemical variation, residue mobility, and thermodynamic stability) performed at Invitae indicates that this missense variant is not expected to disrupt TMC8 protein function with a negative predictive value of 80%. In summary, the available evidence is currently insufficient to determine the role of this variant in disease. Therefore, it has been classified as a Variant of Uncertain Significance.